The following is an entry in ClinVar:

NM_017780.4(CHD7):c.8286G>T (p.Gln2762His)

Gene: CHD7 (chromodomain helicase DNA binding protein 7; plus strand). Cytogenetic location: 8q12.2.
Variant type: single nucleotide variant.
Coding change: c.8286G>T on transcript NM_017780.4 (MANE Select); coding-DNA position 8286, G replaced by T.
Protein change: p.Gln2762His; replaces glutamine 2762 with histidine.
Molecular consequence: missense variant.
Genome position (GRCh38, 1-based): chr8:60,865,225, G>T. VCF-style: chr8-60865225-G-T. GRCh37 (hg19) VCF-style: chr8-61777784-G-T.
Other names: c.2139G>T, p.Gln713His (NM_001316690.1); short protein forms Q2762H, Q713H.
Identifiers: ClinVar variation 1053226 (VCV001053226.10), dbSNP rs758898311, ClinGen allele CA371308099.

ClinVar aggregate classification (germline): Uncertain significance. Review status: criteria provided, multiple submitters, no conflicts (2 of 4 stars). 2 submissions from 2 submitters: Uncertain significance (2). Last evaluated 2023-05-02.

Conditions:
CHARGE syndrome (CHARGE). Also called: Hittner Hirsch Kreh syndrome; CHARGE ASSOCIATION--COLOBOMA, HEART ANOMALY, CHOANAL ATRESIA, RETARDATION, GENITAL AND EAR ANOMALIES; Coloboma, heart anomaly, choanal atresia, retardation, genital and ear anomalies; CHARGE association; Hall-Hittner syndrome. Identifiers: Orphanet 138, MedGen C0265354, MONDO:0008965.

gnomAD v4.1: 1 of 1,609,820 alleles (0.000062%); highest among the groups gnomAD compares: Non-Finnish European, 0.000085%; no homozygotes.

Submissions (2):

Labcorp Genetics (formerly Invitae), Labcorp
Classification: Uncertain significance for CHARGE syndrome. Last evaluated: 2023-05-02. Review status: criteria provided, single submitter. Criteria: Invitae Variant Classification Sherloc (09022015). Collection method: clinical testing. Allele origin: germline.
Comment: This sequence change replaces glutamine, which is neutral and polar, with histidine, which is basic and polar, at codon 2762 of the CHD7 protein (p.Gln2762His). This variant is not present in population databases (gnomAD no frequency). This variant has not been reported in the literature in individuals affected with CHD7-related conditions. ClinVar contains an entry for this variant (Variation ID: 1053226). Advanced modeling of protein sequence and biophysical properties (such as structural, functional, and spatial information, amino acid conservation, physicochemical variation, residue mobility, and thermodynamic stability) performed at Invitae indicates that this missense variant is not expected to disrupt CHD7 protein function. In summary, the available evidence is currently insufficient to determine the role of this variant in disease. Therefore, it has been classified as a Variant of Uncertain Significance.

Victorian Clinical Genetics Services, Murdoch Childrens Research Institute
Classification: Uncertain significance for CHD7-related CHARGE syndrome. Last evaluated: 2021-05-06. Review status: criteria provided, single submitter. Criteria: ACMG Guidelines, 2015. Collection method: clinical testing. Allele origin: germline. Inheritance: Autosomal dominant inheritance. Affected: yes.
Comment: Based on the classification scheme VCGS_Germline_v1.3.4, this variant is classified as VUS-3B. Following criteria are met: 0102 - Loss of function is a known mechanism of disease in this gene and is associated with CHARGE syndrome (MIM#214800) and hypogonadism 5 with or without anosmia (MIM#612370). (I) 0107 - This gene is associated with autosomal dominant disease. (I) 0200 - Variant is predicted to result in a missense amino acid change from glutamine to histidine. (I) 0251 - This variant is heterozygous. (I) 0302 - Variant is present in gnomAD <0.001 for a dominant condition (v2: 1 heterozygote, 0 homozygotes). (SP) 0309 - An alternative amino acid change at the same position has been observed in gnomAD (v2: 1 heterozygote, 0 homozygotes). (I) 0502 - Missense variant with conflicting in silico predictions and uninformative conservation. (I) 0604 - Variant is not located in an established domain, motif, hotspot or informative constraint region. (I) 0705 - No comparable missense variants have previous evidence for pathogenicity. (I) 0807 - This variant has no previous evidence of pathogenicity. (I) 0905 - No published segregation evidence has been identified for this variant. (I) 1007 - No published functional evidence has been identified for this variant. (I) 1208 - Inheritance information for this variant is not currently available in this individual. (I) Legend: (SP) - Supporting pathogenic, (I) - Information, (SB) - Supporting benign